The following is an entry in ClinVar:

NM_000051.4(ATM):c.6021A>T (p.Glu2007Asp)

Genes: ATM (ATM serine/threonine kinase; plus strand), C11orf65 (chromosome 11 open reading frame 65; minus strand). Cytogenetic location: 11q22.3.
Variant type: single nucleotide variant.
Coding change: c.6021A>T on transcript NM_000051.4 (MANE Select); coding-DNA position 6021, A replaced by T.
Protein change: p.Glu2007Asp; replaces glutamic acid 2007 with aspartic acid.
Molecular consequence: missense variant. On other transcripts: intron variant (2).
Genome position (GRCh38, 1-based): chr11:108,315,837, A>T. VCF-style: chr11-108315837-A-T. GRCh37 (hg19) VCF-style: chr11-108186564-A-T.
Other names: c.6021A>T, p.Glu2007Asp (NM_001351834.2); c.641-6766T>A (NM_001330368.2); c.*39-6766T>A (NM_001351110.2); short protein forms E2007D.
Identifiers: ClinVar variation 481351 (VCV000481351.16), dbSNP rs1555113549, ClinGen allele CA382549840.

ClinVar aggregate classification (germline): Uncertain significance. Review status: criteria provided, multiple submitters, no conflicts (2 of 4 stars). 2 submissions from 2 submitters: Uncertain significance (2). Last evaluated 2024-04-29.

Conditions:
Hereditary cancer-predisposing syndrome. Also called: Neoplastic Syndromes, Hereditary; Hereditary Cancer Syndrome; Tumor predisposition; Hereditary neoplastic syndrome. Identifiers: Orphanet 140162, MedGen C0027672, MeSH D009386, MONDO:0015356.
Ataxia-telangiectasia syndrome (AT). Also called: LOUIS-BAR SYNDROME; Cerebello-oculocutaneous telangiectasia; Immunodeficiency with ataxia telangiectasia; Ataxia-telangiectasia, complementation group D; AT, COMPLEMENTATION GROUP C; Ataxia-telangiectasia, complementation group E. Identifiers: Orphanet 100, MedGen C0004135, MONDO:0008840, OMIM 208900.

Submissions (2):

Ambry Genetics
Classification: Uncertain significance for Hereditary cancer-predisposing syndrome. Last evaluated: 2024-04-29. Review status: criteria provided, single submitter. Criteria: Ambry Variant Classification Scheme 2023. Collection method: clinical testing. Allele origin: germline.
Comment: The p.E2007D variant (also known as c.6021A>T), located in coding exon 40 of the ATM gene, results from an A to T substitution at nucleotide position 6021. The glutamic acid at codon 2007 is replaced by aspartic acid, an amino acid with highly similar properties. This amino acid position is well conserved in available vertebrate species. In addition, this alteration is predicted to be tolerated by in silico analysis.Since supporting evidence is limited at this time, the clinical significance of this alteration remains unclear.

Labcorp Genetics (formerly Invitae), Labcorp
Classification: Uncertain significance for Ataxia-telangiectasia syndrome. Last evaluated: 2019-02-25. Review status: criteria provided, single submitter. Criteria: Invitae Variant Classification Sherloc (09022015). Collection method: clinical testing. Allele origin: germline.
Comment: This sequence change replaces glutamic acid with aspartic acid at codon 2007 of the ATM protein (p.Glu2007Asp). The glutamic acid residue is moderately conserved and there is a small physicochemical difference between glutamic acid and aspartic acid. This variant is not present in population databases (ExAC no frequency). This variant has not been reported in the literature in individuals with ATM-related conditions. ClinVar contains an entry for this variant (Variation ID: 481351). Algorithms developed to predict the effect of missense changes on protein structure and function (SIFT, PolyPhen-2, Align-GVGD) all suggest that this variant is likely to be tolerated, but these predictions have not been confirmed by published functional studies and their clinical significance is uncertain. In summary, the available evidence is currently insufficient to determine the role of this variant in disease. Therefore, it has been classified as a Variant of Uncertain Significance.